The following is an entry in ClinVar:

NM_000302.4(PLOD1):c.243G>A (p.Leu81=)

Gene: PLOD1 (procollagen-lysine,2-oxoglutarate 5-dioxygenase 1; plus strand). Cytogenetic location: 1p36.22.
Variant type: single nucleotide variant.
Coding change: c.243G>A on transcript NM_000302.4 (MANE Select); coding-DNA position 243, G replaced by A.
Protein change: p.Leu81=; no amino-acid change (leucine 81 retained).
Molecular consequence: synonymous variant.
Genome position (GRCh38, 1-based): chr1:11,949,847, G>A. VCF-style: chr1-11949847-G-A. GRCh37 (hg19) VCF-style: chr1-12009904-G-A.
Other names: c.384G>A, p.Leu128= (NM_001316320.2).
Identifiers: ClinVar variation 529360 (VCV000529360.40), dbSNP rs371574381, ClinGen allele CA597844.

ClinVar aggregate classification (germline): Likely benign. Review status: criteria provided, multiple submitters, no conflicts (2 of 4 stars). 8 submissions from 8 submitters: Likely benign (6). 2 of the submissions do not count toward it. Last evaluated 2025-11-30.

Conditions:
Familial thoracic aortic aneurysm and aortic dissection (TAAD). Also called: Thoracic aortic aneurysms and dissections. Identifiers: Orphanet 91387, MedGen C4707243, MONDO:0019625.
Ehlers-Danlos syndrome, kyphoscoliotic type 1 (EDSKSCL1). Also called: PLOD1-Related Kyphoscoliotic Ehlers-Danlos Syndrome; Ehlers-Danlos syndrome, hydroxylysine-deficient; EHLERS-DANLOS SYNDROME, TYPE VIA; EHLERS-DANLOS SYNDROME, OCULAR-SCOLIOTIC TYPE. Identifiers: Orphanet 1900, MedGen C0268342, MONDO:0016002, OMIM 225400. Disease mechanism: loss of function.

Allele frequency attached by ClinVar (database versions not stated): ExAC 0.00001; gnomAD exomes 0.00001 and 0.00002; gnomAD 0.00003 and 0.00004; TOPMed 0.00003.
gnomAD v4.1: 50 of 1,614,190 alleles (0.0031%); highest among the groups gnomAD compares: East Asian, 0.016%; 1 homozygote.

Submissions (8):

Labcorp Genetics (formerly Invitae), Labcorp
Classification: Likely benign for Ehlers-Danlos syndrome, kyphoscoliotic type 1. Last evaluated: 2025-11-30. Review status: criteria provided, single submitter. Criteria: Invitae Variant Classification Sherloc (09022015). Collection method: clinical testing. Allele origin: germline.

CeGaT Center for Human Genetics Tuebingen
Classification: Likely benign. Last evaluated: 2025-02-01. Review status: criteria provided, single submitter. Criteria: CeGaT Center For Human Genetics Tuebingen Variant Classification Criteria Version 2. Collection method: clinical testing. Allele origin: germline. Affected: yes. Observed: 1 variant allele.
Comment: PLOD1: BP4, BP7

Blueprint Genetics
Classification: Likely benign. Last evaluated: 2024-11-25. Review status: criteria provided, single submitter. Criteria: ACMG Guidelines, 2015. Collection method: clinical testing. Allele origin: germline.

ARUP Laboratories, Molecular Genetics and Genomics, ARUP Laboratories
Classification: Likely benign for Ehlers-Danlos syndrome, kyphoscoliotic type 1. Last evaluated: 2023-03-14. Review status: criteria provided, single submitter. Criteria: ARUP Molecular Germline Variant Investigation Process 2024. Collection method: clinical testing. Allele origin: germline.

Ambry Genetics
Classification: Likely benign for Familial thoracic aortic aneurysm and aortic dissection. Last evaluated: 2020-06-30. Review status: criteria provided, single submitter. Criteria: Ambry Variant Classification Scheme 2023. Collection method: clinical testing. Allele origin: germline.

GeneDx
Classification: Likely benign. Last evaluated: 2018-08-22. Review status: criteria provided, single submitter. Criteria: GeneDx Variant Classification Process June 2021. Collection method: clinical testing. Allele origin: germline. Affected: yes.

Clinical Genetics DNA and cytogenetics Diagnostics Lab, Erasmus MC, Erasmus Medical Center
Classification: Likely benign. Review status: no assertion criteria provided. Collection method: clinical testing. Allele origin: germline. Affected: yes. Study: VKGL Data-share Consensus. Not counted in ClinVar's aggregate classification.

Genome Diagnostics Laboratory, Amsterdam University Medical Center
Classification: Likely benign. Review status: no assertion criteria provided. Collection method: clinical testing. Allele origin: germline. Affected: yes. Study: VKGL Data-share Consensus. Not counted in ClinVar's aggregate classification.